The following is an entry in ClinVar:

ClinVar aggregate classification (germline): Uncertain significance (1 of 4 stars; one submission).

Submission:

Labcorp Genetics (formerly Invitae), Labcorp
Classification: Uncertain significance. Last evaluated: 2025-01-14. Review status: criteria provided, single submitter. Criteria: Invitae Variant Classification Sherloc (09022015). Collection method: clinical testing. Allele origin: germline.
Comment: This sequence change creates a premature translational stop signal (p.Met43Ilefs*55) in the HOXB13 gene. It is expected to result in an absent or disrupted protein product. However, the current clinical and genetic evidence is not sufficient to establish whether loss-of-function variants in HOXB13 cause disease. This variant is not present in population databases (gnomAD no frequency). This variant has not been reported in the literature in individuals affected with HOXB13-related conditions. In summary, the available evidence is currently insufficient to determine the role of this variant in disease. Therefore, it has been classified as a Variant of Uncertain Significance.

NM_006361.6(HOXB13):c.129del (p.Met43fs)

Gene: HOXB13 (homeobox B13; minus strand). Cytogenetic location: 17q21.32.
Variant type: Deletion.
Coding change: c.129del on transcript NM_006361.6 (MANE Select); coding-DNA position 129, one base deleted (G; older notation c.129delG).
Protein change: p.Met43fs; shifts the reading frame from methionine 43.
Molecular consequence: frameshift variant.
Genome position (GRCh38, 1-based): chr17:48,728,465, C deleted on the plus strand (G on the coding strand, the reverse complement: HOXB13 is on the minus strand). VCF-style (leftmost placement, unchanged base first): chr17-48728464-GC-G. GRCh37 (hg19) VCF-style: chr17-46805826-GC-G.
Other names: short protein forms M43fs.
Identifiers: ClinVar variation 3729033 (VCV003729033.2).